The following is an entry in ClinVar:

NM_182919.4(TICAM1):c.470C>T (p.Thr157Met)

Gene: TICAM1 (TIR domain containing adaptor molecule 1; minus strand). Cytogenetic location: 19p13.3.
Variant type: single nucleotide variant.
Coding change: c.470C>T on transcript NM_182919.4 (MANE Select); coding-DNA position 470, C replaced by T.
Protein change: p.Thr157Met; replaces threonine 157 with methionine.
Molecular consequence: missense variant. On other transcripts: intron variant (1).
Genome position (GRCh38, 1-based): chr19:4,817,908, G>A on the plus strand (C>T on the coding strand, the complement: TICAM1 is on the minus strand). VCF-style: chr19-4817908-G-A. GRCh37 (hg19) VCF-style: chr19-4817920-G-A.
Other names: c.428C>T, p.Thr143Met (NM_001385678.1); c.335C>T, p.Thr112Met (NM_001385679.1); c.-71-102C>T (NM_001385680.1); short protein forms T157M, T112M, T143M.
Identifiers: ClinVar variation 577610 (VCV000577610.10), dbSNP rs770166865, ClinGen allele CA9105346.

ClinVar aggregate classification (germline): Uncertain significance. Review status: criteria provided, multiple submitters, no conflicts (2 of 4 stars). 2 submissions from 2 submitters: Uncertain significance (2). Last evaluated 2025-01-21.

Conditions:
Encephalopathy, acute, infection-induced (herpes-specific), susceptibility to, 6. Also called: Herpes simplex encephalitis, susceptibility to, 4. Identifiers: Orphanet 1930, MedGen C3553869, MONDO:0013921, OMIM 614850.

Allele frequency attached by ClinVar (database versions not stated): gnomAD exomes 0.00007; ExAC 0.00010; TOPMed 0.00006; gnomAD 0.00016.
gnomAD v4.1: 150 of 1,613,792 alleles (0.0093%); highest among the groups gnomAD compares: Middle Eastern, 0.033%; 1 homozygote.

Submissions (2):

Labcorp Genetics (formerly Invitae), Labcorp
Classification: Uncertain significance for Encephalopathy, acute, infection-induced (herpes-specific), susceptibility to, 6. Last evaluated: 2025-01-21. Review status: criteria provided, single submitter. Criteria: Invitae Variant Classification Sherloc (09022015). Collection method: clinical testing. Allele origin: germline.
Comment: This sequence change replaces threonine, which is neutral and polar, with methionine, which is neutral and non-polar, at codon 157 of the TICAM1 protein (p.Thr157Met). This variant is present in population databases (rs770166865, gnomAD 0.02%). This variant has not been reported in the literature in individuals affected with TICAM1-related conditions. ClinVar contains an entry for this variant (Variation ID: 577610). An algorithm developed to predict the effect of missense changes on protein structure and function (PolyPhen-2) suggests that this variant is likely to be disruptive. In summary, the available evidence is currently insufficient to determine the role of this variant in disease. Therefore, it has been classified as a Variant of Uncertain Significance.

Knight Diagnostic Laboratories, Oregon Health and Sciences University
Classification: Uncertain significance for Encephalopathy, acute, infection-induced (herpes-specific), susceptibility to, 6. Last evaluated: 2019-07-29. Review status: criteria provided, single submitter. Criteria: ACMG Guidelines, 2015. Collection method: clinical testing. Allele origin: germline. Observed: 1 variant allele.